The following is an entry in ClinVar:

ClinVar aggregate classification (germline): Uncertain significance. Review status: criteria provided, multiple submitters, no conflicts (2 of 4 stars). 2 submissions from 2 submitters: Uncertain significance (2). Last evaluated 2025-01-23.

Conditions:
EDNRB-related disorder. Also called: EDNRB-related condition; EDNRB-related disorders.

Allele frequency attached by ClinVar (database versions not stated): gnomAD exomes 0.00001; ExAC 0.00002; TOPMed 0.00002; gnomAD 0.00003.
gnomAD v4.1: 23 of 1,611,752 alleles (0.0014%); highest among the groups gnomAD compares: African/African-American, 0.0053%; no homozygotes.

Submissions (2):

PreventionGenetics, part of Exact Sciences
Classification: Uncertain significance for EDNRB-related condition. Last evaluated: 2025-01-23. Review status: criteria provided, single submitter. Criteria: ACMG Guidelines, 2015. Collection method: clinical testing. Allele origin: germline.
Comment: The EDNRB c.1301G>A variant is predicted to result in the amino acid substitution p.Arg434His. This variant was reported in an individual with Hypogonadotropic hypogonadism (Supplemental Table 3; Zhou et al. 2018. PubMed ID: 30098700). This variant is reported in 0.0080% of alleles in individuals of African descent in gnomAD. At this time, the clinical significance of this variant is uncertain due to the absence of conclusive functional and genetic evidence.

GeneDx
Classification: Uncertain significance. Last evaluated: 2024-03-29. Review status: criteria provided, single submitter. Criteria: GeneDx Variant Classification Process June 2021. Collection method: clinical testing. Allele origin: germline.
Comment: Has not been reported as a pathogenic or benign variant in association with an EDNRB-related disorder to our knowledge; In silico analysis supports that this missense variant does not alter protein structure/function; This variant is associated with the following publications: (PMID: 30098700)

NM_001122659.3(EDNRB):c.1301G>A (p.Arg434His)

Genes: EDNRB (endothelin receptor type B; minus strand), EDNRB-AS1 (EDNRB antisense RNA 1; plus strand). Cytogenetic location: 13q22.3.
Variant type: single nucleotide variant.
Coding change: c.1301G>A on transcript NM_001122659.3 (MANE Select); coding-DNA position 1301, G replaced by A.
Protein change: p.Arg434His; replaces arginine 434 with histidine.
Molecular consequence: missense variant. On other transcripts: intron variant (1).
Genome position (GRCh38, 1-based): chr13:77,898,228, C>T on the plus strand (G>A on the coding strand, the complement: EDNRB is on the minus strand). VCF-style: chr13-77898228-C-T. GRCh37 (hg19) VCF-style: chr13-78472363-C-T.
Other names: c.1301G>A, p.Arg434His (NM_000115.5); c.1571G>A, p.Arg524His (NM_001201397.2); c.1194+1631G>A (NM_003991.4); short protein forms R434H, R524H.
Identifiers: ClinVar variation 1703356 (VCV001703356.5), dbSNP rs201243241, ClinGen allele CA7012140.